The following is an entry in ClinVar:

NM_000271.5(NPC1):c.1232G>A (p.Arg411Gln)

Gene: NPC1 (NPC intracellular cholesterol transporter 1; minus strand). Cytogenetic location: 18q11.2.
Variant type: single nucleotide variant.
Coding change: c.1232G>A on transcript NM_000271.5 (MANE Select); coding-DNA position 1232, G replaced by A.
Protein change: p.Arg411Gln; replaces arginine 411 with glutamine.
Molecular consequence: missense variant.
Genome position (GRCh38, 1-based): chr18:23,556,337, C>T on the plus strand (G>A on the coding strand, the complement: NPC1 is on the minus strand). VCF-style: chr18-23556337-C-T. GRCh37 (hg19) VCF-style: chr18-21136301-C-T.
Other names: p.Arg411Gln; short protein forms R411Q.
Identifiers: ClinVar variation 235359 (VCV000235359.22), dbSNP rs77080672, ClinGen allele CA8913512.

ClinVar aggregate classification (germline): Benign/Likely benign. Review status: criteria provided, multiple submitters, no conflicts (2 of 4 stars). 7 submissions from 7 submitters: Benign (1); Likely benign (5). 1 of the submissions does not count toward it. Last evaluated 2026-01-28.

Conditions:
NPC1-related disorder. Also called: NPC1-related condition.
Niemann-Pick disease, type C1. Also called: NEUROVISCERAL STORAGE DISEASE WITH VERTICAL SUPRANUCLEAR OPHTHALMOPLEGIA; NIEMANN-PICK DISEASE WITH CHOLESTEROL ESTERIFICATION BLOCK; NIEMANN-PICK DISEASE WITHOUT SPHINGOMYELINASE DEFICIENCY; NIEMANN-PICK DISEASE, CHRONIC NEURONOPATHIC FORM; NIEMANN-PICK DISEASE, VARIANT TYPE C1. Identifiers: Orphanet 646, MedGen C3179455, MONDO:0009757, OMIM 257220.

Allele frequency attached by ClinVar (database versions not stated): gnomAD exomes 0.00018 and 0.00052; ExAC 0.00062; gnomAD 0.00192 and 0.00204; ESP Exome Variant Server 0.00200; TOPMed 0.00217; 1000 Genomes Project 0.00339; 1000 Genomes Project 30x 0.00344.
gnomAD v4.1: 555 of 1,614,022 alleles (0.034%); highest among the groups gnomAD compares: African/African-American, 0.65%; 4 homozygotes.

Submissions (7):

Labcorp Genetics (formerly Invitae), Labcorp
Classification: Likely benign for Niemann-Pick disease, type C1. Last evaluated: 2026-01-28. Review status: criteria provided, single submitter. Criteria: Invitae Variant Classification Sherloc (09022015). Collection method: clinical testing. Allele origin: germline.

Mayo Clinic Laboratories, Mayo Clinic
Classification: Likely benign. Last evaluated: 2025-01-27. Review status: criteria provided, single submitter. Criteria: ACMG Guidelines, 2015. Collection method: clinical testing. Allele origin: germline. Observed: 2 variant alleles.
Comment: BA1

Blueprint Genetics
Classification: Likely benign. Last evaluated: 2024-05-02. Review status: criteria provided, single submitter. Criteria: ACMG Guidelines, 2015. Collection method: clinical testing. Allele origin: germline.

GeneDx
Classification: Likely benign. Last evaluated: 2021-05-12. Review status: criteria provided, single submitter. Criteria: GeneDx Variant Classification Process June 2021. Collection method: clinical testing. Allele origin: germline. Affected: yes.

Center for Pediatric Genomic Medicine, Children's Mercy Hospital and Clinics
Classification: Likely benign. Last evaluated: 2017-08-28. Review status: criteria provided, single submitter. Criteria: ACMG Guidelines, 2015. Collection method: clinical testing. Allele origin: germline.

Eurofins Ntd Llc (ga)
Classification: Benign. Last evaluated: 2015-06-18. Review status: criteria provided, single submitter. Criteria: EGL Classification Definitions 2015. Collection method: clinical testing. Allele origin: germline. Observed: 1 variant allele, 1 heterozygote.

PreventionGenetics, part of Exact Sciences
Classification: Benign for NPC1-related condition. Last evaluated: 2023-01-10. Review status: no assertion criteria provided. Collection method: clinical testing. Allele origin: germline. Not counted in ClinVar's aggregate classification.
Comment: This variant is classified as benign based on ACMG/AMP sequence variant interpretation guidelines (Richards et al. 2015 PMID: 25741868, with internal and published modifications).

Literature cited by the submitters: PubMed 25764212 (cited by Mayo Clinic Laboratories, Mayo Clinic).